The following is an entry in ClinVar:

NM_004385.5(VCAN):c.7419C>G (p.Ser2473Arg)

Genes: VCAN (versican; plus strand), VCAN-AS1 (VCAN antisense RNA 1; minus strand). Cytogenetic location: 5q14.3.
Variant type: single nucleotide variant.
Coding change: c.7419C>G on transcript NM_004385.5 (MANE Select); coding-DNA position 7419, C replaced by G.
Protein change: p.Ser2473Arg; replaces serine 2473 with arginine.
Molecular consequence: missense variant. On other transcripts: intron variant (2).
Genome position (GRCh38, 1-based): chr5:83,540,422, C>G. VCF-style: chr5-83540422-C-G. GRCh37 (hg19) VCF-style: chr5-82836241-C-G.
Other names: c.4458C>G, p.Ser1486Arg (NM_001164097.2); c.4004-5115C>G (NM_001164098.2); c.1043-5115C>G (NM_001126336.3); short protein forms S2473R, S1486R.
Identifiers: ClinVar variation 4704290 (VCV004704290.1).

ClinVar aggregate classification (germline): Uncertain significance (1 of 4 stars; one submission).

gnomAD v4.1: 57 of 1,613,968 alleles (0.0035%); highest among the groups gnomAD compares: East Asian, 0.08%; no homozygotes.

Submission:

Labcorp Genetics (formerly Invitae), Labcorp
Classification: Uncertain significance. Last evaluated: 2026-01-27. Review status: criteria provided, single submitter. Criteria: Invitae Variant Classification Sherloc (09022015). Collection method: clinical testing. Allele origin: germline.
Comment: This sequence change replaces serine, which is neutral and polar, with arginine, which is basic and polar, at codon 2473 of the VCAN protein (p.Ser2473Arg). This variant is present in population databases (rs61754536, gnomAD 0.02%). This variant has not been reported in the literature in individuals affected with VCAN-related conditions. An algorithm developed to predict the effect of missense changes on protein structure and function outputs the following: PolyPhen-2: "Benign". The arginine amino acid residue is found in multiple mammalian species, which suggests that this missense change does not adversely affect protein function. In summary, the available evidence is currently insufficient to determine the role of this variant in disease. Therefore, it has been classified as a Variant of Uncertain Significance.